The following is an entry in ClinVar:

NM_003995.4(NPR2):c.1218+4A>G

Gene: NPR2 (natriuretic peptide receptor 2; plus strand). Cytogenetic location: 9p13.3.
Variant type: single nucleotide variant.
Coding change: c.1218+4A>G on transcript NM_003995.4 (MANE Select); 4 bases into the intron after coding-DNA position 1218, A replaced by G.
Molecular consequence: intron variant.
Genome position (GRCh38, 1-based): chr9:35,800,487, A>G. VCF-style: chr9-35800487-A-G. GRCh37 (hg19) VCF-style: chr9-35800484-A-G.
Other names: c.1218+4A>G (NM_003995.3, NM_001378923.1).
Identifiers: ClinVar variation 2576574 (VCV002576574.3), dbSNP rs2491045089, ClinGen allele CA2580616196.

ClinVar aggregate classification (germline): Conflicting classifications of pathogenicity. Review status: criteria provided, conflicting classifications (1 of 4 stars). 2 submissions from 2 submitters: Likely pathogenic (1); Uncertain significance (1). Last evaluated 2023-09-10.

Conditions:
Short stature with nonspecific skeletal abnormalities. Identifiers: MedGen C4225399, MONDO:0975810.
Acromesomelic dysplasia 1, Maroteaux type (AMD1). Also called: ST. HELENA DYSPLASIA; ACROMESOMELIC DYSPLASIA 1. Identifiers: Orphanet 40, MedGen C1864356, MONDO:0011275, OMIM 602875.

Submissions (2):

Umrani?ye Training and Research Hospital
Classification: Likely pathogenic for Acromesomelic dysplasia 1, Maroteaux type. Last evaluated: 2023-09-10. Review status: criteria provided, single submitter. Criteria: ACMG Guidelines, 2015. Collection method: clinical testing. Allele origin: germline. Inheritance: Autosomal recessive inheritance. Affected: yes. Observed: 1 homozygote.

Institute of Human Genetics, University of Leipzig Medical Center
Classification: Uncertain significance for Short stature with nonspecific skeletal abnormalities 1. Last evaluated: 2023-05-16. Review status: criteria provided, single submitter. Criteria: ACMG Guidelines, 2015. Collection method: clinical testing. Allele origin: unknown. Inheritance: Autosomal dominant inheritance. Affected: yes.
Comment: Criteria applied: PM2_SUP,PP3

Literature cited by the submitters: PMC 7313390 (cited by Umrani?ye Training and Research Hospital).